The following is an entry in ClinVar:

NM_001041.4(SI):c.1969C>T (p.Pro657Ser)

Gene: SI (sucrase-isomaltase; minus strand). Cytogenetic location: 3q26.1.
Variant type: single nucleotide variant.
Coding change: c.1969C>T on transcript NM_001041.4 (MANE Select); coding-DNA position 1969, C replaced by T.
Protein change: p.Pro657Ser; replaces proline 657 with serine.
Molecular consequence: missense variant.
Genome position (GRCh38, 1-based): chr3:165,043,094, G>A on the plus strand (C>T on the coding strand, the complement: SI is on the minus strand). VCF-style: chr3-165043094-G-A. GRCh37 (hg19) VCF-style: chr3-164760882-G-A.
Other names: short protein forms P657S.
Identifiers: ClinVar variation 2819435 (VCV002819435.4), dbSNP rs140611221, ClinGen allele CA2690893.

ClinVar aggregate classification (germline): Uncertain significance. Review status: criteria provided, multiple submitters, no conflicts (2 of 4 stars). 2 submissions from 2 submitters: Uncertain significance (2). Last evaluated 2024-03-01.

Conditions:
Sucrase-isomaltase deficiency (CSID). Also called: Deficiency of isomaltase; SI DEFICIENCY; Congenital sucrose isomaltose malabsorption; Sucrose isomaltose enzyme deficiency. Identifiers: Orphanet 35122, MedGen C1283620, MONDO:0009114, OMIM 222900.

Allele frequency attached by ClinVar (database versions not stated): gnomAD exomes below 0.00001; ExAC 0.00002; gnomAD 0.00003; ESP Exome Variant Server 0.00008.
gnomAD v4.1: 7 of 1,612,128 alleles (0.00043%); highest among the groups gnomAD compares: African/African-American, 0.008%; no homozygotes.

Submissions (2):

Fulgent Genetics
Classification: Uncertain significance for Sucrase-isomaltase deficiency. Last evaluated: 2024-03-01. Review status: criteria provided, single submitter. Criteria: ACMG Guidelines, 2015. Collection method: clinical testing. Allele origin: germline.

Labcorp Genetics (formerly Invitae), Labcorp
Classification: Uncertain significance. Last evaluated: 2023-09-13. Review status: criteria provided, single submitter. Criteria: Invitae Variant Classification Sherloc (09022015). Collection method: clinical testing. Allele origin: germline.
Comment: In summary, the available evidence is currently insufficient to determine the role of this variant in disease. Therefore, it has been classified as a Variant of Uncertain Significance. Advanced modeling of protein sequence and biophysical properties (such as structural, functional, and spatial information, amino acid conservation, physicochemical variation, residue mobility, and thermodynamic stability) has been performed at Invitae for this missense variant, however the output from this modeling did not meet the statistical confidence thresholds required to predict the impact of this variant on SI protein function. This variant has not been reported in the literature in individuals affected with SI-related conditions. This variant is present in population databases (rs140611221, gnomAD 0.0009%). This sequence change replaces proline, which is neutral and non-polar, with serine, which is neutral and polar, at codon 657 of the SI protein (p.Pro657Ser).